The following is an entry in ClinVar:

NM_015629.4(PRPF31):c.1285C>T (p.Gln429Ter)

Gene: PRPF31 (pre-mRNA processing factor 31; plus strand). Cytogenetic location: 19q13.42.
Variant type: single nucleotide variant.
Coding change: c.1285C>T on transcript NM_015629.4 (MANE Select); coding-DNA position 1285, C replaced by T.
Protein change: p.Gln429Ter; replaces glutamine 429 with a stop codon.
Molecular consequence: nonsense.
Genome position (GRCh38, 1-based): chr19:54,129,281, C>T. VCF-style: chr19-54129281-C-T. GRCh37 (hg19) VCF-style: chr19-54632656-C-T.
Other names: short protein forms Q429*.
Identifiers: ClinVar variation 4719964 (VCV004719964.1).

ClinVar aggregate classification (germline): Pathogenic (1 of 4 stars; one submission).

Submission:

Labcorp Genetics (formerly Invitae), Labcorp
Classification: Pathogenic. Last evaluated: 2025-05-21. Review status: criteria provided, single submitter. Criteria: Invitae Variant Classification Sherloc (09022015). Collection method: clinical testing. Allele origin: germline.
Comment: This sequence change creates a premature translational stop signal (p.Gln429*) in the PRPF31 gene. It is expected to result in an absent or disrupted protein product. Loss-of-function variants in PRPF31 are known to be pathogenic (PMID: 18317597, 23950152). This variant is not present in population databases (gnomAD no frequency). This variant has not been reported in the literature in individuals affected with PRPF31-related conditions. For these reasons, this variant has been classified as Pathogenic.

Literature cited by the submitters: PubMed 18317597; PubMed 23950152.